The following is an entry in ClinVar:

NM_000548.5(TSC2):c.4920C>A (p.His1640Gln)

Gene: TSC2 (TSC complex subunit 2; plus strand). Cytogenetic location: 16p13.3.
Variant type: single nucleotide variant.
Coding change: c.4920C>A on transcript NM_000548.5 (MANE Select); coding-DNA position 4920, C replaced by A.
Protein change: p.His1640Gln; replaces histidine 1640 with glutamine.
Molecular consequence: missense variant.
Genome position (GRCh38, 1-based): chr16:2,086,802, C>A. VCF-style: chr16-2086802-C-A. GRCh37 (hg19) VCF-style: chr16-2136803-C-A.
Other names: c.4719C>A, p.His1573Gln (NM_001077183.3); c.4851C>A, p.His1617Gln (NM_001114382.3); c.4611C>A, p.His1537Gln (NM_001318827.2); c.4575C>A, p.His1525Gln (NM_001318829.2); c.4188C>A, p.His1396Gln (NM_001318831.2); c.4752C>A, p.His1584Gln (NM_001318832.2); c.4722C>A, p.His1574Gln (NM_001363528.2); c.4788C>A, p.His1596Gln (NM_001370404.1); and 1 more; short protein forms H1573Q, H1617Q, H1640Q, H1525Q, H1537Q, H1396Q, H1574Q, H1597Q.
Identifiers: ClinVar variation 843345 (VCV000843345.9), dbSNP rs1555438576, ClinGen allele CA394308558.

ClinVar aggregate classification (germline): Uncertain significance (1 of 4 stars; one submission).

Conditions:
Tuberous sclerosis 2 (TSC2). Identifiers: Orphanet 805, MedGen C1860707, MONDO:0013199, OMIM 613254.

Submission:

Labcorp Genetics (formerly Invitae), Labcorp
Classification: Uncertain significance for Tuberous sclerosis 2. Last evaluated: 2023-02-03. Review status: criteria provided, single submitter. Criteria: Invitae Variant Classification Sherloc (09022015). Collection method: clinical testing. Allele origin: germline.
Comment: This variant disrupts the p.His1640 amino acid residue in TSC2. Other variant(s) that disrupt this residue have been determined to be pathogenic (PMID: 12111193, 18854862, 21309039; Invitae). This suggests that this residue is clinically significant, and that variants that disrupt this residue are likely to be disease-causing. Advanced modeling of protein sequence and biophysical properties (such as structural, functional, and spatial information, amino acid conservation, physicochemical variation, residue mobility, and thermodynamic stability) has been performed at Invitae for this missense variant, however the output from this modeling did not meet the statistical confidence thresholds required to predict the impact of this variant on TSC2 protein function. ClinVar contains an entry for this variant (Variation ID: 843345). This variant has not been reported in the literature in individuals affected with TSC2-related conditions. This variant is not present in population databases (gnomAD no frequency). This sequence change replaces histidine, which is basic and polar, with glutamine, which is neutral and polar, at codon 1640 of the TSC2 protein (p.His1640Gln). In summary, the available evidence is currently insufficient to determine the role of this variant in disease. Therefore, it has been classified as a Variant of Uncertain Significance.

Literature cited by the submitters: PubMed 12111193; PubMed 18854862; PubMed 21309039.